The following is an entry in ClinVar:

NM_001348716.2(KDM6B):c.1662CAACAG[1] (p.555NS[1])

Gene: KDM6B (lysine demethylase 6B; plus strand). Cytogenetic location: 17p13.1.
Variant type: Microsatellite.
Coding change: c.1662CAACAG[1] on transcript NM_001348716.2 (MANE Select); one copy of the 6-base unit CAACAG starting at c.1662; the reference has two copies in a row; one copy, 6 bases deleted.
Protein change: p.555NS[1].
Molecular consequence: inframe deletion.
Genome position (GRCh38, 1-based): chr17:7,847,956-7,847,961, CAACAG deleted; deleting any 6 consecutive bases within chr17:7,847,948-7,847,961 gives the same sequence; the position shown is the placement nearest the transcript's 3' end. VCF-style (leftmost placement, unchanged base first): chr17-7847947-TAGCAAC-T. GRCh37 (hg19) VCF-style: chr17-7751265-TAGCAAC-T.
Other names: c.1662CAACAG[1], p.555NS[1] (NM_001080424.2); c.1668_1673del6 (NM_001080424.1).
Identifiers: ClinVar variation 984694 (VCV000984694.4), dbSNP rs755048002, ClinGen allele CA8360702.

ClinVar aggregate classification (germline): Uncertain significance. Review status: criteria provided, multiple submitters, no conflicts (2 of 4 stars). 3 submissions from 3 submitters: Uncertain significance (2). 1 of the submissions does not count toward it. Last evaluated 2020-03-01.

Conditions:
Neurodevelopmental disorder with coarse facies and mild distal skeletal abnormalities. Also called: STOLERMAN NEURODEVELOPMENTAL SYNDROME. Identifiers: MedGen C5193134, MONDO:0032790, OMIM 618505.
KDM6B-related disorder. Also called: KDM6B-related condition.

Submissions (3):

Institute of Human Genetics, University of Leipzig Medical Center
Classification: Uncertain significance for Neurodevelopmental disorder with coarse facies and mild distal skeletal abnormalities. Last evaluated: 2020-03-01. Review status: criteria provided, single submitter. Criteria: ACMG Guidelines, 2015. Collection method: clinical testing. Allele origin: biparental. Inheritance: Autosomal recessive inheritance. Affected: yes.
Comment: Review of the variants reported in Reuter et al., 2017, PMID: 28097321: PM2,PM3_Supporting,PM4

Breakthrough Genomics
Classification: Uncertain significance. Review status: criteria provided, single submitter. Criteria: ACMG Guidelines, 2015. Collection method: not provided. Allele origin: germline. Inheritance: Autosomal dominant inheritance. Affected: yes.

PreventionGenetics, part of Exact Sciences
Classification: Likely benign for KDM6B-related condition. Last evaluated: 2023-12-20. Review status: no assertion criteria provided. Collection method: clinical testing. Allele origin: germline. Not counted in ClinVar's aggregate classification.
Comment: This variant is classified as likely benign based on ACMG/AMP sequence variant interpretation guidelines (Richards et al. 2015 PMID: 25741868, with internal and published modifications).